The following is an entry in ClinVar:

ClinVar aggregate classification (germline): Uncertain significance (1 of 4 stars; one submission).

Conditions:
Alstrom syndrome (ALMS). Identifiers: Orphanet 64, MedGen C0268425, MONDO:0008763, OMIM 203800.

gnomAD v4.1: 1 of 1,614,108 alleles (0.000062%); highest among the groups gnomAD compares: East Asian, 0.0022%; no homozygotes.

Submission:

Labcorp Genetics (formerly Invitae), Labcorp
Classification: Uncertain significance for Alstrom syndrome. Last evaluated: 2022-11-01. Review status: criteria provided, single submitter. Criteria: Invitae Variant Classification Sherloc (09022015). Collection method: clinical testing. Allele origin: germline.
Comment: In summary, the available evidence is currently insufficient to determine the role of this variant in disease. Therefore, it has been classified as a Variant of Uncertain Significance. Experimental studies and prediction algorithms are not available or were not evaluated, and the functional significance of this variant is currently unknown. This variant has not been reported in the literature in individuals affected with ALMS1-related conditions. This variant is not present in population databases (gnomAD no frequency). This sequence change replaces isoleucine, which is neutral and non-polar, with valine, which is neutral and non-polar, at codon 1846 of the ALMS1 protein (p.Ile1846Val).

NM_001378454.1(ALMS1):c.5533A>G (p.Ile1845Val)

Gene: ALMS1 (ALMS1 centrosome and basal body associated protein; plus strand). Cytogenetic location: 2p13.1.
Variant type: single nucleotide variant.
Coding change: c.5533A>G on transcript NM_001378454.1 (MANE Select); coding-DNA position 5533, A replaced by G.
Protein change: p.Ile1845Val; replaces isoleucine 1845 with valine.
Molecular consequence: missense variant.
Genome position (GRCh38, 1-based): chr2:73,452,060, A>G. VCF-style: chr2-73452060-A-G. GRCh37 (hg19) VCF-style: chr2-73679187-A-G.
Other names: c.5536A>G, p.Ile1846Val (NM_015120.4); short protein forms I1845V, I1846V.
Identifiers: ClinVar variation 2112373 (VCV002112373.4), dbSNP rs2466105614, ClinGen allele CA347282456.
Genomic context (GRCh38, chr2:73,452,060, plus strand): 5'-GAAGCAGGTTTGAAAATTTTAAGAGTTCCTGGACCAGCTGACCAGAAGACTGGAATAAAC[A>G]TCCTGCCCTCTAATTCCTACCCACAGAGAGAGCACTCTGTCATTTCTTATGAGCAGGAGT-3'
Protein context (NP_001365383.1, residues 1835-1855): GPADQKTGIN[Ile1845Val]LPSNSYPQRE